The following is an entry in ClinVar:

ClinVar aggregate classification (germline): Uncertain significance (1 of 4 stars; one submission).

Submission:

GeneDx
Classification: Uncertain significance. Last evaluated: 2023-09-01. Review status: criteria provided, single submitter. Criteria: GeneDx Variant Classification Process June 2021. Collection method: clinical testing. Allele origin: germline. Affected: yes.
Comment: Not observed at significant frequency in large population cohorts (gnomAD); In silico analysis is inconclusive as to whether the variant alters gene splicing. In the absence of RNA/functional studies, the actual effect of this sequence change is unknown.; Has not been previously published as pathogenic or benign to our knowledge

NM_004370.6(COL12A1):c.8231A>G (p.Asp2744Gly)

Gene: COL12A1 (collagen type XII alpha 1 chain; minus strand). Cytogenetic location: 6q13.
Variant type: single nucleotide variant.
Coding change: c.8231A>G on transcript NM_004370.6 (MANE Select); coding-DNA position 8231, A replaced by G.
Protein change: p.Asp2744Gly; replaces aspartic acid 2744 with glycine.
Molecular consequence: missense variant.
Genome position (GRCh38, 1-based): chr6:75,105,240, T>C on the plus strand (A>G on the coding strand, the complement: COL12A1 is on the minus strand). VCF-style: chr6-75105240-T-C. GRCh37 (hg19) VCF-style: chr6-75814956-T-C.
Other names: c.8231A>G, p.Asp2744Gly (NM_001424113.1); c.8210A>G, p.Asp2737Gly (NM_001424114.1); c.7958A>G, p.Asp2653Gly (NM_001424115.1); c.4739A>G, p.Asp1580Gly (NM_001424116.1, NM_080645.3); short protein forms D1580G, D2653G, D2737G, D2744G.
Identifiers: ClinVar variation 2579400 (VCV002579400.1), dbSNP rs2533119415, ClinGen allele CA364740468.